The following is an entry in ClinVar:

NM_001868.4(CPA1):c.853G>C (p.Glu285Gln)

Gene: CPA1 (carboxypeptidase A1; plus strand). Cytogenetic location: 7q32.2.
Variant type: single nucleotide variant.
Coding change: c.853G>C on transcript NM_001868.4 (MANE Select); coding-DNA position 853, G replaced by C.
Protein change: p.Glu285Gln; replaces glutamic acid 285 with glutamine.
Molecular consequence: missense variant.
Genome position (GRCh38, 1-based): chr7:130,385,211, G>C. VCF-style: chr7-130385211-G-C. GRCh37 (hg19) VCF-style: chr7-130025052-G-C.
Other names: short protein forms E285Q.
Identifiers: ClinVar variation 4825907 (VCV004825907.1).

ClinVar aggregate classification (germline): Uncertain significance (1 of 4 stars; one submission).

Conditions:
Hereditary pancreatitis (PCTT). Also called: Hereditary chronic pancreatitis; PRSS1-Related Hereditary Pancreatitis. Identifiers: Orphanet 676, MedGen C0238339, MONDO:0008185, OMIM 167800.

Submission:

Ambry Genetics
Classification: Uncertain significance for Hereditary pancreatitis. Last evaluated: 2026-03-02. Review status: criteria provided, single submitter. Criteria: Ambry Variant Classification Scheme 2023. Collection method: clinical testing. Allele origin: germline.
Comment: The p.E285Q variant (also known as c.853G>C), located in coding exon 8 of the CPA1 gene, results from a G to C substitution at nucleotide position 853. The glutamic acid at codon 285 is replaced by glutamine, an amino acid with highly similar properties. This amino acid position is conserved. In addition, this alteration is predicted to be deleterious by in silico analysis. Based on the available evidence, the clinical significance of this variant remains unclear.